The following is an entry in ClinVar:

ClinVar aggregate classification (germline): Likely benign. Review status: criteria provided, multiple submitters, no conflicts (2 of 4 stars). 3 submissions from 3 submitters: Likely benign (2). 1 of the submissions does not count toward it. Last evaluated 2025-09-10.

Conditions:
MEGF8-related disorder. Also called: MEGF8-related condition.
MEGF8-related Carpenter syndrome. Also called: Carpenter syndrome 2. Identifiers: Orphanet 65759, MedGen C3554247, MONDO:0013998, OMIM 614976.

Allele frequency attached by ClinVar (database versions not stated): TOPMed 0.00001; ExAC 0.00002; gnomAD 0.00003 and 0.00004.
gnomAD v4.1: 30 of 1,581,904 alleles (0.0019%); highest among the groups gnomAD compares: Non-Finnish European, 0.0025%; no homozygotes.

Submissions (3):

Women's Health and Genetics/Laboratory Corporation of America, LabCorp
Classification: Likely benign. Last evaluated: 2025-09-10. Review status: criteria provided, single submitter. Criteria: LabCorp Variant Classification Summary - May 2015. Collection method: clinical testing. Allele origin: germline.

Labcorp Genetics (formerly Invitae), Labcorp
Classification: Likely benign for MEGF8-related Carpenter syndrome. Last evaluated: 2023-06-19. Review status: criteria provided, single submitter. Criteria: Invitae Variant Classification Sherloc (09022015). Collection method: clinical testing. Allele origin: germline.

PreventionGenetics, part of Exact Sciences
Classification: Likely benign for MEGF8-related condition. Last evaluated: 2020-01-17. Review status: no assertion criteria provided. Collection method: clinical testing. Allele origin: germline. Not counted in ClinVar's aggregate classification.
Comment: This variant is classified as likely benign based on ACMG/AMP sequence variant interpretation guidelines (Richards et al. 2015 PMID: 25741868, with internal and published modifications).

NM_001271938.2(MEGF8):c.3957C>A (p.Thr1319=)

Gene: MEGF8 (multiple EGF like domains 8; plus strand). Cytogenetic location: 19q13.2.
Variant type: single nucleotide variant.
Coding change: c.3957C>A on transcript NM_001271938.2 (MANE Select); coding-DNA position 3957, C replaced by A.
Protein change: p.Thr1319=; no amino-acid change (threonine 1319 retained).
Molecular consequence: synonymous variant.
Genome position (GRCh38, 1-based): chr19:42,353,970, C>A. VCF-style: chr19-42353970-C-A. GRCh37 (hg19) VCF-style: chr19-42858122-C-A.
Other names: c.3756C>A (NM_001410.2); c.3756C>A, p.Thr1252= (NM_001410.3).
Identifiers: ClinVar variation 1571340 (VCV001571340.11), dbSNP rs754753739, ClinGen allele CA9475129.
Genomic context (GRCh38, chr19:42,353,970, plus strand): 5'-GTCCTACTGTGTGTGGGTTGTCTCGGCCACTGAGGAGCTACAGCCCTGTGCTCCCGGGAC[C>A]CTCTGTCCCCCACTCACCCTCACCTTCTCCCCCGACAGCAGCACCCCCTGCACGGTGAGC-3'
Protein context (NP_001258867.1, residues 1309-1329): TEELQPCAPG[Thr1319=]LCPPLTLTFS